The following is an entry in ClinVar:

NM_024675.4(PALB2):c.55G>A (p.Glu19Lys)

Gene: PALB2 (partner and localizer of BRCA2; minus strand). Cytogenetic location: 16p12.2.
Variant type: single nucleotide variant.
Coding change: c.55G>A on transcript NM_024675.4 (MANE Select); coding-DNA position 55, G replaced by A.
Protein change: p.Glu19Lys; replaces glutamic acid 19 with lysine.
Molecular consequence: missense variant. On other transcripts: 5 prime UTR variant (8), intron variant (4).
Genome position (GRCh38, 1-based): chr16:23,638,123, C>T on the plus strand (G>A on the coding strand, the complement: PALB2 is on the minus strand). VCF-style: chr16-23638123-C-T. GRCh37 (hg19) VCF-style: chr16-23649444-C-T.
Other names: c.55G>A, p.Glu19Lys (NM_001407297.1, NM_001407298.1, NM_001407299.1 and 3 more transcripts); c.-831G>A (NM_001407304.1, NM_001407305.1, NM_001407306.1 and 5 more transcripts); c.48+2987G>A (NM_001407314.1); c.-105+2987G>A (NM_001407313.1, NM_001407312.1); c.49-171G>A (NM_001407296.1); short protein forms E19K.
Identifiers: ClinVar variation 3228039 (VCV003228039.1), dbSNP rs2142461160, ClinGen allele CA395139970.

ClinVar aggregate classification (germline): Uncertain significance (1 of 4 stars; one submission).

Conditions:
Hereditary cancer-predisposing syndrome. Also called: Neoplastic Syndromes, Hereditary; Tumor predisposition; Hereditary neoplastic syndrome; Hereditary Cancer Syndrome. Identifiers: Orphanet 140162, MedGen C0027672, MeSH D009386, MONDO:0015356.

Submission:

Ambry Genetics
Classification: Uncertain significance for Hereditary cancer-predisposing syndrome. Last evaluated: 2024-03-05. Review status: criteria provided, single submitter. Criteria: Ambry Variant Classification Scheme 2023. Collection method: clinical testing. Allele origin: germline.
Comment: The p.E19K variant (also known as c.55G>A), located in coding exon 2 of the PALB2 gene, results from a G to A substitution at nucleotide position 55. The glutamic acid at codon 19 is replaced by lysine, an amino acid with similar properties. This amino acid position is well conserved in available vertebrate species. In addition, this alteration is predicted to be tolerated by in silico analysis. Based on the available evidence, the clinical significance of this alteration remains unclear.